The following is an entry in ClinVar:

NM_033225.6(CSMD1):c.3833G>A (p.Gly1278Asp)

Gene: CSMD1 (CUB and Sushi multiple domains 1; minus strand). Cytogenetic location: 8p23.2.
Variant type: single nucleotide variant.
Coding change: c.3833G>A on transcript NM_033225.6 (MANE Select); coding-DNA position 3833, G replaced by A.
Protein change: p.Gly1278Asp; replaces glycine 1278 with aspartic acid.
Molecular consequence: missense variant.
Genome position (GRCh38, 1-based): chr8:3,307,812, C>T on the plus strand (G>A on the coding strand, the complement: CSMD1 is on the minus strand). VCF-style: chr8-3307812-C-T. GRCh37 (hg19) VCF-style: chr8-3165334-C-T.
Other names: short protein forms G1278D.
Identifiers: ClinVar variation 5000144 (VCV005000144.1).
Genomic context (GRCh38, chr8:3,307,812, plus strand): 5'-TACGGAGCTGGATAGCCAGGGGACAATATTCGTCCTGATGTGGCTGCATGGATCTGACCA[C>T]CACATTCCGCTGTAGAAGACACAGAGAGATGGGAACGTTCAGCTTCAGGCATCACATGTT-3'
Protein context (NP_150094.5, residues 1268-1288): KPLPSCIAEC[Gly1278Asp]GQIHAATSGR

ClinVar aggregate classification (germline): Uncertain significance (1 of 4 stars; one submission).

Conditions:
CSMD1-related disorder. Also called: CSMD1-related condition.

gnomAD v4.1: 1 of 1,612,520 alleles (0.000062%); highest among the groups gnomAD compares: Non-Finnish European, 0.000085%; no homozygotes.

Submission:

PreventionGenetics, part of Exact Sciences
Classification: Uncertain significance for CSMD1-related condition. Last evaluated: 2024-11-08. Review status: criteria provided, single submitter. Criteria: ACMG Guidelines, 2015. Collection method: clinical testing. Allele origin: germline.
Comment: The CSMD1 c.3833G>A variant is predicted to result in the amino acid substitution p.Gly1278Asp. To our knowledge, this variant has not been reported in the literature or in a large population database (gnomAD), indicating this variant is rare. At this time, the clinical significance of this variant is uncertain due to the absence of conclusive functional and genetic evidence.